The following is an entry in ClinVar:

ClinVar aggregate classification (germline): Uncertain significance (1 of 4 stars; one submission).

Submission:

Labcorp Genetics (formerly Invitae), Labcorp
Classification: Uncertain significance. Last evaluated: 2024-08-27. Review status: criteria provided, single submitter. Criteria: Invitae Variant Classification Sherloc (09022015). Collection method: clinical testing. Allele origin: germline.
Comment: This sequence change replaces aspartic acid, which is acidic and polar, with alanine, which is neutral and non-polar, at codon 146 of the OPHN1 protein (p.Asp146Ala). This variant is not present in population databases (gnomAD no frequency). This variant has not been reported in the literature in individuals affected with OPHN1-related conditions. An algorithm developed to predict the effect of missense changes on protein structure and function (PolyPhen-2) suggests that this variant is likely to be disruptive. In summary, the available evidence is currently insufficient to determine the role of this variant in disease. Therefore, it has been classified as a Variant of Uncertain Significance.

NM_002547.3(OPHN1):c.437A>C (p.Asp146Ala)

Gene: OPHN1 (oligophrenin 1; minus strand). Cytogenetic location: Xq12.
Variant type: single nucleotide variant.
Coding change: c.437A>C on transcript NM_002547.3 (MANE Select); coding-DNA position 437, A replaced by C.
Protein change: p.Asp146Ala; replaces aspartic acid 146 with alanine.
Molecular consequence: missense variant.
Genome position (GRCh38, 1-based): chrX:68,234,536, T>G on the plus strand (A>C on the coding strand, the complement: OPHN1 is on the minus strand). VCF-style: chrX-68234536-T-G. GRCh37 (hg19) VCF-style: chrX-67454378-T-G.
Other names: short protein forms D146A.
Identifiers: ClinVar variation 3663464 (VCV003663464.2).
Genomic context (GRCh38, chrX:68,234,536, plus strand): 5'-TGTGAACATACCTCTTGTAACTGAGATTCTTTCTTTTTTGAAGACAGGTGTAAGTGCCGA[T>G]CCAGTAAAGAATAAAACCTCTCACCATCCTTTTCAAATTTCTTTTTCCGCTCCTAAAGGT-3'
Protein context (NP_002538.1, residues 136-156): KDGERFYSLL[Asp146Ala]RHLHLSSKKK